The following is an entry in ClinVar:

ClinVar aggregate classification (germline): Uncertain significance (1 of 4 stars; one submission).

Submission:

Labcorp Genetics (formerly Invitae), Labcorp
Classification: Uncertain significance. Last evaluated: 2024-09-14. Review status: criteria provided, single submitter. Criteria: Invitae Variant Classification Sherloc (09022015). Collection method: clinical testing. Allele origin: germline.
Comment: This sequence change replaces glutamic acid, which is acidic and polar, with lysine, which is basic and polar, at codon 258 of the ZNF513 protein (p.Glu258Lys). This variant is not present in population databases (gnomAD no frequency). This variant has not been reported in the literature in individuals affected with ZNF513-related conditions. An algorithm developed to predict the effect of missense changes on protein structure and function (PolyPhen-2) suggests that this variant is likely to be tolerated. In summary, the available evidence is currently insufficient to determine the role of this variant in disease. Therefore, it has been classified as a Variant of Uncertain Significance.

NM_144631.6(ZNF513):c.772G>A (p.Glu258Lys)

Gene: ZNF513 (zinc finger protein 513; minus strand). Cytogenetic location: 2p23.3.
Variant type: single nucleotide variant.
Coding change: c.772G>A on transcript NM_144631.6 (MANE Select); coding-DNA position 772, G replaced by A.
Protein change: p.Glu258Lys; replaces glutamic acid 258 with lysine.
Molecular consequence: missense variant.
Genome position (GRCh38, 1-based): chr2:27,378,494, C>T on the plus strand (G>A on the coding strand, the complement: ZNF513 is on the minus strand). VCF-style: chr2-27378494-C-T. GRCh37 (hg19) VCF-style: chr2-27601361-C-T.
Other names: c.586G>A, p.Glu196Lys (NM_001201459.2); short protein forms E196K, E258K.
Identifiers: ClinVar variation 3678419 (VCV003678419.2).